The following is an entry in ClinVar:

ClinVar aggregate classification (germline): Benign/Likely benign. Review status: criteria provided, multiple submitters, no conflicts (2 of 4 stars). 3 submissions from 3 submitters: Benign (1); Likely benign (2). Last evaluated 2026-09-01.

Allele frequency attached by ClinVar (database versions not stated): TOPMed 0.00005; gnomAD 0.00011; gnomAD exomes 0.00013; ExAC 0.00017.
gnomAD v4.1: 187 of 1,517,604 alleles (0.012%); highest among the groups gnomAD compares: East Asian, 0.029%; no homozygotes.

Submissions (3):

CeGaT Center for Human Genetics Tuebingen
Classification: Likely benign. Last evaluated: 2026-09-01. Review status: criteria provided, single submitter. Criteria: CeGaT Center For Human Genetics Tuebingen Variant Classification Criteria Version 2. Collection method: clinical testing. Allele origin: germline. Affected: yes. Observed: 1 variant allele.
Comment: KCNC3: BP4, BP7

Athena Diagnostics
Classification: Benign. Last evaluated: 2023-11-20. Review status: criteria provided, single submitter. Criteria: Athena Diagnostics Criteria. Collection method: clinical testing. Allele origin: unknown.

Labcorp Genetics (formerly Invitae), Labcorp
Classification: Likely benign. Last evaluated: 2023-03-20. Review status: criteria provided, single submitter. Criteria: Invitae Variant Classification Sherloc (09022015). Collection method: clinical testing. Allele origin: germline.

NM_004977.3(KCNC3):c.1767C>T (p.His589=)

Gene: KCNC3 (potassium voltage-gated channel subfamily C member 3; minus strand). Cytogenetic location: 19q13.33.
Variant type: single nucleotide variant.
Coding change: c.1767C>T on transcript NM_004977.3 (MANE Select); coding-DNA position 1767, C replaced by T.
Protein change: p.His589=; no amino-acid change (histidine 589 retained).
Molecular consequence: synonymous variant.
Genome position (GRCh38, 1-based): chr19:50,323,186, G>A on the plus strand (C>T on the coding strand, the complement: KCNC3 is on the minus strand). VCF-style: chr19-50323186-G-A. GRCh37 (hg19) VCF-style: chr19-50826443-G-A.
Other names: c.1767C>T (NM_004977.2); c.1539C>T, p.His513= (NM_001372305.1).
Identifiers: ClinVar variation 2908041 (VCV002908041.5), dbSNP rs778272834, ClinGen allele CA9594172.
Genomic context (GRCh38, chr19:50,323,186, plus strand): 5'-CACAGTCACCCCCATGGAGGGTGGGGTGATGGGTGGCGGCGGGCTGATGCCCCCGCTGCC[G>A]TGGTGCGGGTGGGGCGGGGGTGGCGGGGGTGGGTCAGGCTTGCAGTAGTTGGGCGAGCCC-3'
Protein context (NP_004968.2, residues 579-599): PPPPPPPHPH[His589=]GSGGISPPPP